The following is an entry in ClinVar:

ClinVar aggregate classification (germline): Uncertain significance (1 of 4 stars; one submission).

Submission:

Labcorp Genetics (formerly Invitae), Labcorp
Classification: Uncertain significance. Last evaluated: 2025-06-12. Review status: criteria provided, single submitter. Criteria: Invitae Variant Classification Sherloc (09022015). Collection method: clinical testing. Allele origin: germline.
Comment: This sequence change replaces valine, which is neutral and non-polar, with alanine, which is neutral and non-polar, at codon 586 of the TUBGCP6 protein (p.Val586Ala). This variant is not present in population databases (gnomAD no frequency). This variant has not been reported in the literature in individuals affected with TUBGCP6-related conditions. ClinVar contains an entry for this variant (Variation ID: 1715930). An algorithm developed to predict the effect of missense changes on protein structure and function outputs the following: PolyPhen-2: "Benign". The alanine amino acid residue is found in multiple mammalian species, which suggests that this missense change does not adversely affect protein function. In summary, the available evidence is currently insufficient to determine the role of this variant in disease. Therefore, it has been classified as a Variant of Uncertain Significance.

NM_020461.4(TUBGCP6):c.1757T>C (p.Val586Ala)

Gene: TUBGCP6 (tubulin gamma complex component 6; minus strand). Cytogenetic location: 22q13.33.
Variant type: single nucleotide variant.
Coding change: c.1757T>C on transcript NM_020461.4 (MANE Select); coding-DNA position 1757, T replaced by C.
Protein change: p.Val586Ala; replaces valine 586 with alanine.
Molecular consequence: missense variant.
Genome position (GRCh38, 1-based): chr22:50,226,126, A>G on the plus strand (T>C on the coding strand, the complement: TUBGCP6 is on the minus strand). VCF-style: chr22-50226126-A-G. GRCh37 (hg19) VCF-style: chr22-50664555-A-G.
Other names: short protein forms V586A.
Identifiers: ClinVar variation 1715930 (VCV001715930.5), dbSNP rs2519153170, ClinGen allele CA412105407.